The following is an entry in ClinVar:

ClinVar aggregate classification (germline): Likely benign (1 of 4 stars; one submission).

Submission:

CeGaT Center for Human Genetics Tuebingen
Classification: Likely benign. Last evaluated: 2022-09-01. Review status: criteria provided, single submitter. Criteria: CeGaT Center For Human Genetics Tuebingen Variant Classification Criteria Version 2. Collection method: clinical testing. Allele origin: germline. Affected: yes. Observed: 1 variant allele.
Comment: CD300LD: PM2:Supporting, BP4, BP7

NM_001115152.2(CD300LD):c.285G>A (p.Glu95=)

Genes: CD300LD (CD300 molecule like family member d; minus strand), CD300LD-AS1 (CD300LD antisense RNA 1; plus strand). Cytogenetic location: 17q25.1.
Variant type: single nucleotide variant.
Coding change: c.285G>A on transcript NM_001115152.2 (MANE Select); coding-DNA position 285, G replaced by A.
Protein change: p.Glu95=; no amino-acid change (glutamic acid 95 retained).
Molecular consequence: synonymous variant.
Genome position (GRCh38, 1-based): chr17:74,588,605, C>T on the plus strand (G>A on the coding strand, the complement: CD300LD is on the minus strand). VCF-style: chr17-74588605-C-T. GRCh37 (hg19) VCF-style: chr17-72584744-C-T.
Identifiers: ClinVar variation 2648225 (VCV002648225.24), dbSNP rs2509582343, ClinGen allele CA502032030.
Genomic context (GRCh38, chr17:74,588,605, plus strand): 5'-ATCAATTCCAGGTCTCTCAGTCCCACACCAATAACTGTCAGCATCATCTCTTTTGAGATT[C>T]TCCATGGTCACGGTGAACACGTGGTTTTTCTGATTGTCCCTGATGGAAACTCGATTCTTC-3'
Protein context (NP_001108624.1, residues 85-105): QKNHVFTVTM[Glu95=]NLKRDDADSY